The following is an entry in ClinVar:

NM_000810.4(GABRA5):c.387G>A (p.Trp129Ter)

Gene: GABRA5 (gamma-aminobutyric acid type A receptor subunit alpha5; plus strand). Cytogenetic location: 15q12.
Variant type: single nucleotide variant.
Coding change: c.387G>A on transcript NM_000810.4 (MANE Select); coding-DNA position 387, G replaced by A.
Protein change: p.Trp129Ter; replaces tryptophan 129 with a stop codon.
Molecular consequence: nonsense.
Genome position (GRCh38, 1-based): chr15:26,883,447, G>A. VCF-style: chr15-26883447-G-A. GRCh37 (hg19) VCF-style: chr15-27128594-G-A.
Other names: c.387G>A, p.Trp129Ter (NM_001165037.2); short protein forms W129*.
Identifiers: ClinVar variation 4883103 (VCV004883103.2).

ClinVar aggregate classification (germline): Uncertain significance (1 of 4 stars; one submission).

Submission:

Dasa
Classification: Uncertain significance. Last evaluated: 2026-03-29. Review status: criteria provided, single submitter. Criteria: DASA Assertion Criteria. Collection method: clinical testing. Allele origin: germline.
Comment: NM_000810.4(GABRA5):c.387G>A (p.Trp129*) is a nonsense variant in GABRA5 predicted to introduce a premature termination codon. This variant is rare in population databases. The currently available literature and clinical evidence are not sufficient to establish a definitive association between this variant and the reported condition. Therefore, this variant is classified as a variant of uncertain significance.